The following is an entry in ClinVar:

ClinVar aggregate classification (germline): Uncertain significance (1 of 4 stars; one submission).

Conditions:
Hereditary spherocytosis type 1. Also called: Spherocytosis type 1; ANK1-Related Spherocytosis. Identifiers: Orphanet 822, MedGen C2674218, MONDO:0008447, OMIM 182900.

Allele frequency attached by ClinVar (database versions not stated): gnomAD exomes below 0.00001.
gnomAD v4.1: 2 of 1,613,422 alleles (0.00012%); highest among the groups gnomAD compares: South Asian, 0.0022%; no homozygotes.

Submission:

Diagnostics Services (NGS), CSIR - Centre For Cellular And Molecular Biology
Classification: Uncertain significance for Hereditary spherocytosis type 1. Last evaluated: 2023-06-22. Review status: criteria provided, single submitter. Criteria: ACMG Guidelines, 2015. Collection method: clinical testing. Allele origin: germline. Affected: yes. Observed: 1 variant allele, 1 homozygote.
Comment: The c.3598T>C variant is not present in publicly available population databases like 1000 Genomes, ExAC, EVS, gnomAD, Indian Exome Database or our in-house exome database. This variant has neither been published in literature nor reported to clinical databases like in ClinVar, Human Gene Mutation Database (HGMD) or OMIM, in any affected individuals. In silico pathogenicity prediction programs like SIFT, PolyPhen2, MutationTaster2, CADD, etc predicted this variant to be likely deleterious, however these predictions were not confirmed by published functional studies.

NM_000037.4(ANK1):c.3598T>C (p.Cys1200Arg)

Gene: ANK1 (ankyrin 1; minus strand). Cytogenetic location: 8p11.21.
Variant type: single nucleotide variant.
Coding change: c.3598T>C on transcript NM_000037.4 (MANE Select); coding-DNA position 3598, T replaced by C.
Protein change: p.Cys1200Arg; replaces cysteine 1200 with arginine.
Molecular consequence: missense variant.
Genome position (GRCh38, 1-based): chr8:41,693,136, A>G on the plus strand (T>C on the coding strand, the complement: ANK1 is on the minus strand). VCF-style: chr8-41693136-A-G. GRCh37 (hg19) VCF-style: chr8-41550654-A-G.
Other names: c.3721T>C, p.Cys1241Arg (NM_001142446.2); c.3598T>C, p.Cys1200Arg (NM_020475.3, NM_020476.3, NM_020477.3); short protein forms C1200R, C1241R.
Identifiers: ClinVar variation 2506501 (VCV002506501.1), dbSNP rs2486763190, ClinGen allele CA371059131.
Genomic context (GRCh38, chr8:41,693,136, plus strand): 5'-AATACTGGGCTGGGCTGGCCTCGTCTCACCTGGCAGAGACATTGGTGGTGAAGTTGGCGC[A>G]CTCGTTGGCATATACAAGTTTGGTGGTTCCTGTTATGTCTTCCCACTGGGCTTGGTCTGT-3'
Protein context (NP_000028.3, residues 1190-1210): GTTKLVYANE[Cys1200Arg]ANFTTNVSAR